The following is an entry in ClinVar:

NM_153704.6(TMEM67):c.796G>C (p.Asp266His)

Gene: TMEM67 (transmembrane protein 67; plus strand). Cytogenetic location: 8q22.1.
Variant type: single nucleotide variant.
Coding change: c.796G>C on transcript NM_153704.6 (MANE Select); coding-DNA position 796, G replaced by C.
Protein change: p.Asp266His; replaces aspartic acid 266 with histidine.
Molecular consequence: missense variant. On other transcripts: non-coding transcript variant (1).
Genome position (GRCh38, 1-based): chr8:93,780,674, G>C. VCF-style: chr8-93780674-G-C. GRCh37 (hg19) VCF-style: chr8-94792902-G-C.
Other names: c.553G>C, p.Asp185His (NM_001142301.1); short protein forms D185H, D266H.
Identifiers: ClinVar variation 2007083 (VCV002007083.4), dbSNP rs2536841898, ClinGen allele CA371687872.

ClinVar aggregate classification (germline): Uncertain significance (1 of 4 stars; one submission).

Conditions:
Joubert syndrome. Also called: CEREBELLOPARENCHYMAL DISORDER IV; JOUBERT-BOLTSHAUSER SYNDROME; Familial aplasia of the vermis. Identifiers: Orphanet 475, MedGen C5979921, MONDO:0018772.
Meckel-Gruber syndrome. Also called: DYSENCEPHALIA SPLANCHNOCYSTICA; GRUBER SYNDROME; Dysencephalia splachnocystica. Identifiers: Orphanet 564, MedGen C0265215, MONDO:0018921.

Submission:

Labcorp Genetics (formerly Invitae), Labcorp
Classification: Uncertain significance for Joubert syndrome; Meckel-Gruber syndrome. Last evaluated: 2024-05-22. Review status: criteria provided, single submitter. Criteria: Invitae Variant Classification Sherloc (09022015). Collection method: clinical testing. Allele origin: germline.
Comment: This sequence change replaces aspartic acid, which is acidic and polar, with histidine, which is basic and polar, at codon 266 of the TMEM67 protein (p.Asp266His). This variant is not present in population databases (gnomAD no frequency). This variant has not been reported in the literature in individuals affected with TMEM67-related conditions. ClinVar contains an entry for this variant (Variation ID: 2007083). Advanced modeling of protein sequence and biophysical properties (such as structural, functional, and spatial information, amino acid conservation, physicochemical variation, residue mobility, and thermodynamic stability) performed at Invitae indicates that this missense variant is expected to disrupt TMEM67 protein function with a positive predictive value of 95%. In summary, the available evidence is currently insufficient to determine the role of this variant in disease. Therefore, it has been classified as a Variant of Uncertain Significance.